The following is an entry in ClinVar:

NM_001378609.3(OTOGL):c.4878TGT[1] (p.Val1628del)

Gene: OTOGL (otogelin like; plus strand). Cytogenetic location: 12q21.31.
Variant type: Microsatellite.
Coding change: c.4878TGT[1] on transcript NM_001378609.3 (MANE Select); one copy of the 3-base unit TGT starting at c.4878; the reference has two copies in a row; one copy, 3 bases deleted.
Protein change: p.Val1628del; deletes valine 1628.
Genome position (GRCh38, 1-based): chr12:80,339,095-80,339,097, TGT deleted; deleting any 3 consecutive bases within chr12:80,339,091-80,339,097 gives the same sequence; the position shown is the placement nearest the transcript's 3' end. VCF-style (leftmost placement, unchanged base first): chr12-80339090-ATTG-A. GRCh37 (hg19) VCF-style: chr12-80732870-ATTG-A.
Other names: c.4743TGT[1], p.Val1583del (NM_001368062.3); c.4878TGT[1], p.Val1628del (NM_001378610.3, NM_173591.7); short protein forms V1583del, V1628del.
Identifiers: ClinVar variation 4850527 (VCV004850527.1).

ClinVar aggregate classification (germline): Pathogenic (1 of 4 stars; one submission).

Conditions:
Monogenic hearing loss.

Submission:

Genetics Laboratory, Great Ormond Street Hospital NHS Foundation Trust, North Thames Genomic Laboratory Hub
Classification: Pathogenic for Monogenic hearing loss. Last evaluated: 2026-03-13. Review status: criteria provided, single submitter. Criteria: ACGS Best Practice Guidelines for Variant Classification in Rare Disease 2024 v1.2. Collection method: clinical testing. Allele origin: germline. Affected: yes.
Comment: PM2_moderate, PVS1_very-strong